The following is an entry in ClinVar:

NM_001365536.1(SCN9A):c.2875-6_2875-5delinsG

Genes: SCN1A-AS1 (SCN1A and SCN9A antisense RNA 1; plus strand), SCN9A (sodium voltage-gated channel alpha subunit 9; minus strand). Cytogenetic location: 2q24.3.
Variant type: Indel.
Coding change: c.2875-6_2875-5delinsG on transcript NM_001365536.1 (MANE Select); 6 bases into the intron before coding-DNA position 2875 through 5 bases into the intron before coding-DNA position 2875, AT replaced by G.
Molecular consequence: intron variant.
Genome position (GRCh38, 1-based): chr2:166,272,880-166,272,881, AT replaced by C on the plus strand (AT replaced by G on the coding strand, the reverse complement: SCN9A is on the minus strand). VCF-style: chr2-166272880-AT-C. GRCh37 (hg19) VCF-style: chr2-167129390-AT-C.
Other names: c.2842-6_2842-5delinsG (NM_002977.4); c.2842-6_2842-5delATinsG (NM_002977.3).
Identifiers: ClinVar variation 577786 (VCV000577786.7), dbSNP rs1558999342, ClinGen allele CA891843197.
Genomic context (GRCh38, chr2:166,272,880, plus strand): 5'-GTAAGATTGTCTGAACTAAATGAGCTCAATAATAAGGCCAGAAATAGGTTTAGGACCTAT[AT>C]CAGGGTGGGGAGAGGGGGTAGAGAAATAGGGAGACAGGAAATATAAAAAATAAAATAAAA-3'

ClinVar aggregate classification (germline): Conflicting classifications of pathogenicity. Review status: criteria provided, conflicting classifications (1 of 4 stars). 3 submissions from 3 submitters: Uncertain significance (2); Benign (1). Last evaluated 2025-03-25.

Conditions:
Inborn genetic diseases. Identifiers: MedGen C0950123, MeSH D030342.
Neuropathy, hereditary sensory and autonomic, type 2A (HSAN2A). Also called: HSAN IIA; ACROOSTEOLYSIS, GIACCAI TYPE; ACROOSTEOLYSIS, NEUROGENIC; WNK1-Related HSAN2 (HSAN2A); MORVAN DISEASE; NEUROPATHY, CONGENITAL SENSORY. Identifiers: Orphanet 970, MedGen C2752089, MONDO:0024309, OMIM 201300.
Generalized epilepsy with febrile seizures plus, type 7 (GEFSP7). Also called: GEFS+, TYPE 7. Identifiers: Orphanet 36387, MedGen C2751778, MONDO:0013470, OMIM 613863.

Submissions (3):

GeneDx
Classification: Uncertain significance. Last evaluated: 2025-03-25. Review status: criteria provided, single submitter. Criteria: GeneDx Variant Classification Process June 2021. Collection method: clinical testing. Allele origin: germline. Affected: yes.
Comment: Has not been previously published as pathogenic or benign to our knowledge; Not observed at significant frequency in large population cohorts (gnomAD); In silico analysis is inconclusive as to whether the variant alters gene splicing. In the absence of RNA/functional studies, the actual effect of this sequence change is unknown.

Ambry Genetics
Classification: Uncertain significance for Inborn genetic diseases. Last evaluated: 2021-05-21. Review status: criteria provided, single submitter. Criteria: Ambry Variant Classification Scheme 2023. Collection method: clinical testing. Allele origin: germline.
Comment: The c.2842-6_2842-5delATinsG intronic variant is located 5 nucleotides upstream from coding exon 16 in the SCN9A gene. This variant results from a deletion of 2 nucleotides and insertion of one nucleotide at positions c.2482-6 to c.2482-5. This nucleotide region is not well conserved in available vertebrate species. Using the BDGP and ESEfinder splice site prediction tools, this alteration does not have any significant effect on the native acceptor splice site; however, direct evidence is unavailable. Since supporting evidence is limited at this time, the clinical significance of this alteration remains unclear.

Labcorp Genetics (formerly Invitae), Labcorp
Classification: Benign for Neuropathy, hereditary sensory and autonomic, type 2A; Generalized epilepsy with febrile seizures plus, type 7. Last evaluated: 2019-06-15. Review status: criteria provided, single submitter. Criteria: Invitae Variant Classification Sherloc (09022015). Collection method: clinical testing. Allele origin: germline.